The following is an entry in ClinVar:

NM_152415.3(VPS37A):c.478C>G (p.Pro160Ala)

Gene: VPS37A (VPS37A subunit of ESCRT-I; plus strand). Cytogenetic location: 8p22.
Variant type: single nucleotide variant.
Coding change: c.478C>G on transcript NM_152415.3 (MANE Select); coding-DNA position 478, C replaced by G.
Protein change: p.Pro160Ala; replaces proline 160 with alanine.
Molecular consequence: missense variant.
Genome position (GRCh38, 1-based): chr8:17,274,794, C>G. VCF-style: chr8-17274794-C-G. GRCh37 (hg19) VCF-style: chr8-17132303-C-G.
Other names: c.403C>G, p.Pro135Ala (NM_001145152.2); c.478C>G, p.Pro160Ala (NM_001363167.1, NM_001363173.2); c.208C>G, p.Pro70Ala (NM_001363168.1, NM_001363169.1, NM_001363170.1 and 2 more transcripts); short protein forms P135A, P160A, P70A.
Identifiers: ClinVar variation 1306734 (VCV001306734.3), dbSNP rs760165306, ClinGen allele CA172949085.

ClinVar aggregate classification (germline): Uncertain significance. Review status: criteria provided, multiple submitters, no conflicts (2 of 4 stars). 2 submissions from 2 submitters: Uncertain significance (2). Last evaluated 2025-05-29.

Allele frequency attached by ClinVar (database versions not stated): gnomAD 0.00001; TOPMed 0.00003.

Submissions (2):

Ambry Genetics
Classification: Uncertain significance. Last evaluated: 2025-05-29. Review status: criteria provided, single submitter. Criteria: Ambry Variant Classification Scheme 2023. Collection method: clinical testing. Allele origin: germline.

GeneDx
Classification: Uncertain significance. Last evaluated: 2019-06-28. Review status: criteria provided, single submitter. Criteria: GeneDx Variant Classification Process June 2021. Collection method: clinical testing. Allele origin: germline. Affected: yes.
Comment: Not observed in large population cohorts (Lek et al., 2016); In silico analysis, which includes protein predictors and evolutionary conservation, supports that this variant does not alter protein structure/function; Has not been previously published as pathogenic or benign to our knowledge